The following is an entry in ClinVar:

NM_001369.3(DNAH5):c.3293delinsAGATGTGTATAAGAGACAGT (p.Pro1098fs)

Genes: DNAH5 (dynein axonemal heavy chain 5; minus strand), DNAH5-AS1 (DNAH5 antisense RNA 1; plus strand). Cytogenetic location: 5p15.2.
Variant type: Indel.
Coding change: c.3293delinsAGATGTGTATAAGAGACAGT on transcript NM_001369.3 (MANE Select); coding-DNA position 3293, C replaced by AGATGTGTATAAGAGACAGT.
Protein change: p.Pro1098fs; shifts the reading frame from proline 1098.
Molecular consequence: frameshift variant.
Genome position (GRCh38, 1-based): chr5:13,876,787, G replaced by ACTGTCTCTTATACACATCT on the plus strand (C replaced by AGATGTGTATAAGAGACAGT on the coding strand, the reverse complement: DNAH5 is on the minus strand). VCF-style: chr5-13876787-G-ACTGTCTCTTATACACATCT. GRCh37 (hg19) VCF-style: chr5-13876896-G-ACTGTCTCTTATACACATCT.
Other names: short protein forms P1098fs.
Identifiers: ClinVar variation 5011038 (VCV005011038.1).

ClinVar aggregate classification (germline): Pathogenic (1 of 4 stars; one submission).

Conditions:
Primary ciliary dyskinesia 3. Identifiers: Orphanet 244, MedGen C1837618, MONDO:0012085, OMIM 608644.

Submission:

Myriad Genetics, Inc.
Classification: Pathogenic for Primary ciliary dyskinesia 3. Last evaluated: 2024-05-14. Review status: criteria provided, single submitter. Criteria: Myriad Autosomal Dominant, Autosomal Recessive and X-Linked Classification Criteria (2023). Collection method: clinical testing. Allele origin: unknown.
Comment: NM_001369.2(DNAH5):c.3293del1ins20(P1098Qfs*17) is expected to be pathogenic in the context of primary ciliary dyskinesia, DNAH5-related. This variant is predicted to lead to an abnormal or absent protein product due to the creation of a premature termination codon in DNAH5, a gene where loss-of-function variants are known to be pathogenic. Please note: this variant was assessed in the context of healthy population screening.